The following is an entry in ClinVar:

NM_001365951.3(KIF1B):c.1590+5G>A

Gene: KIF1B (kinesin family member 1B; plus strand). Cytogenetic location: 1p36.22.
Variant type: single nucleotide variant.
Coding change: c.1590+5G>A on transcript NM_001365951.3 (MANE Select); 5 bases into the intron after coding-DNA position 1590, G replaced by A.
Molecular consequence: intron variant.
Genome position (GRCh38, 1-based): chr1:10,292,127, G>A. VCF-style: chr1-10292127-G-A. GRCh37 (hg19) VCF-style: chr1-10352185-G-A.
Other names: c.1452+5G>A (NM_183416.4, NM_015074.3, NM_001365953.1); c.1590+5G>A (NM_001365952.1).
Identifiers: ClinVar variation 1772969 (VCV001772969.9), dbSNP rs780769963, ClinGen allele CA581010.

ClinVar aggregate classification (germline): Uncertain significance. Review status: criteria provided, multiple submitters, no conflicts (2 of 4 stars). 2 submissions from 2 submitters: Uncertain significance (2). Last evaluated 2025-12-19.

Conditions:
Charcot-Marie-Tooth disease type 2. Also called: Charcot-Marie-Tooth type 2. Identifiers: Orphanet 64746, MedGen C0270914, MONDO:0018993.

Allele frequency attached by ClinVar (database versions not stated): ExAC 0.00002.

Submissions (2):

Ambry Genetics
Classification: Uncertain significance. Last evaluated: 2025-12-19. Review status: criteria provided, single submitter. Criteria: Ambry Variant Classification Scheme 2023. Collection method: clinical testing. Allele origin: germline.
Comment: The c.1452+5G>A intronic variant results from a G to A substitution 5 nucleotides after coding exon 14 in the KIF1B gene. This nucleotide position is well conserved in available vertebrate species. In silico splice site analysis predicts that this alteration will not have any significant effect on splicing. The evidence for this gene-disease relationship is limited; therefore, the clinical significance of this alteration is unclear.

Labcorp Genetics (formerly Invitae), Labcorp
Classification: Uncertain significance for Charcot-Marie-Tooth disease type 2. Last evaluated: 2022-04-02. Review status: criteria provided, single submitter. Criteria: Invitae Variant Classification Sherloc (09022015). Collection method: clinical testing. Allele origin: germline.
Comment: In summary, the available evidence is currently insufficient to determine the role of this variant in disease. Therefore, it has been classified as a Variant of Uncertain Significance. Variants that disrupt the consensus splice site are a relatively common cause of aberrant splicing (PMID: 17576681, 9536098). Algorithms developed to predict the effect of sequence changes on RNA splicing suggest that this variant is not likely to affect RNA splicing. This sequence change falls in intron 15 of the KIF1B gene. It does not directly change the encoded amino acid sequence of the KIF1B protein. It affects a nucleotide within the consensus splice site. This variant is present in population databases (rs780769963, gnomAD 0.006%). This variant has not been reported in the literature in individuals affected with KIF1B-related conditions.

Literature cited by the submitters: PubMed 17576681 (cited by Labcorp Genetics (formerly Invitae), Labcorp); PubMed 9536098 (cited by Labcorp Genetics (formerly Invitae), Labcorp).